The following is an entry in ClinVar:

NM_006904.7(PRKDC):c.5651T>G (p.Leu1884Arg)

Gene: PRKDC (protein kinase, DNA-activated, catalytic subunit; minus strand). Cytogenetic location: 8q11.21.
Variant type: single nucleotide variant.
Coding change: c.5651T>G on transcript NM_006904.7 (MANE Select); coding-DNA position 5651, T replaced by G.
Protein change: p.Leu1884Arg; replaces leucine 1884 with arginine.
Molecular consequence: missense variant.
Genome position (GRCh38, 1-based): chr8:47,863,498, A>C on the plus strand (T>G on the coding strand, the complement: PRKDC is on the minus strand). VCF-style: chr8-47863498-A-C. GRCh37 (hg19) VCF-style: chr8-48776059-A-C.
Other names: c.5651T>G, p.Leu1884Arg (NM_001081640.2); short protein forms L1884R.
Identifiers: ClinVar variation 1748872 (VCV001748872.2), dbSNP rs2551870845, ClinGen allele CA371163077.

ClinVar aggregate classification (germline): Uncertain significance (1 of 4 stars; one submission).

Submission:

Ambry Genetics
Classification: Uncertain significance. Last evaluated: 2021-08-13. Review status: criteria provided, single submitter. Criteria: Ambry Variant Classification Scheme 2023. Collection method: clinical testing. Allele origin: germline.
Comment: The p.L1884R variant (also known as c.5651T>G), located in coding exon 42 of the PRKDC gene, results from a T to G substitution at nucleotide position 5651. The leucine at codon 1884 is replaced by arginine, an amino acid with dissimilar properties. This amino acid position is conserved. Since supporting evidence is limited at this time, the clinical significance of this alteration remains unclear.